The following is an entry in ClinVar:

ClinVar aggregate classification (germline): Uncertain significance (1 of 4 stars; one submission).

Allele frequency attached by ClinVar (database versions not stated): gnomAD exomes below 0.00001.
gnomAD v4.1: 1 of 1,601,724 alleles (0.000062%); highest among the groups gnomAD compares: Non-Finnish European, 0.000085%; no homozygotes.

Submission:

Labcorp Genetics (formerly Invitae), Labcorp
Classification: Uncertain significance. Last evaluated: 2022-07-19. Review status: criteria provided, single submitter. Criteria: Invitae Variant Classification Sherloc (09022015). Collection method: clinical testing. Allele origin: germline.
Comment: This sequence change replaces glycine, which is neutral and non-polar, with arginine, which is basic and polar, at codon 27 of the SCO2 protein (p.Gly27Arg). This variant is not present in population databases (gnomAD no frequency). This variant has not been reported in the literature in individuals affected with SCO2-related conditions. Algorithms developed to predict the effect of missense changes on protein structure and function (SIFT, PolyPhen-2, Align-GVGD) all suggest that this variant is likely to be tolerated. In summary, the available evidence is currently insufficient to determine the role of this variant in disease. Therefore, it has been classified as a Variant of Uncertain Significance.

NM_005138.3(SCO2):c.79G>A (p.Gly27Arg)

Genes: NCAPH2 (non-SMC condensin II complex subunit H2; plus strand), SCO2 (synthesis of cytochrome C oxidase 2; minus strand). Cytogenetic location: 22q13.33.
Variant type: single nucleotide variant.
Coding change: c.79G>A on transcript NM_005138.3 (MANE Select); coding-DNA position 79, G replaced by A.
Protein change: p.Gly27Arg; replaces glycine 27 with arginine.
Molecular consequence: missense variant. On other transcripts: 3 prime UTR variant (2).
Genome position (GRCh38, 1-based): chr22:50,524,333, C>T on the plus strand (G>A on the coding strand, the complement: SCO2 is on the minus strand). VCF-style: chr22-50524333-C-T. GRCh37 (hg19) VCF-style: chr22-50962762-C-T.
Other names: c.*958C>T (NM_001185011.2, NM_152299.4); c.79G>A, p.Gly27Arg (NM_001169109.2, NM_001169110.1, NM_001169111.2); short protein forms G27R.
Identifiers: ClinVar variation 2018247 (VCV002018247.1), dbSNP rs2522477337, ClinGen allele CA412194452.